The following is an entry in ClinVar:

NM_206943.4(LTBP1):c.534T>C (p.Ser178=)

Gene: LTBP1 (latent transforming growth factor beta binding protein 1; plus strand). Cytogenetic location: 2p22.3.
Variant type: single nucleotide variant.
Coding change: c.534T>C on transcript NM_206943.4 (MANE Select); coding-DNA position 534, T replaced by C.
Protein change: p.Ser178=; no amino-acid change (serine 178 retained).
Molecular consequence: synonymous variant.
Genome position (GRCh38, 1-based): chr2:32,948,914, T>C. VCF-style: chr2-32948914-T-C. GRCh37 (hg19) VCF-style: chr2-33173981-T-C.
Other names: c.534T>C, p.Ser178= (NM_001394905.1).
Identifiers: ClinVar variation 4873309 (VCV004873309.2).

ClinVar aggregate classification (germline): Likely benign (1 of 4 stars; one submission).

gnomAD v4.1: 399 of 1,613,904 alleles (0.025%); highest among the groups gnomAD compares: Non-Finnish European, 0.032%; 1 homozygote.

Submission:

CeGaT Center for Human Genetics Tuebingen
Classification: Likely benign. Last evaluated: 2026-05-01. Review status: criteria provided, single submitter. Criteria: CeGaT Center For Human Genetics Tuebingen Variant Classification Criteria Version 2. Collection method: clinical testing. Allele origin: germline. Affected: yes. Observed: 1 variant allele.
Comment: LTBP1: BP4, BP7